The following is an entry in ClinVar:

NM_001378120.1(MBD5):c.1730G>A (p.Ser577Asn)

Gene: MBD5 (methyl-CpG binding domain protein 5; plus strand). Cytogenetic location: 2q23.1.
Variant type: single nucleotide variant.
Coding change: c.1730G>A on transcript NM_001378120.1 (MANE Select); coding-DNA position 1730, G replaced by A.
Protein change: p.Ser577Asn; replaces serine 577 with asparagine.
Molecular consequence: missense variant.
Genome position (GRCh38, 1-based): chr2:148,469,673, G>A. VCF-style: chr2-148469673-G-A. GRCh37 (hg19) VCF-style: chr2-149227242-G-A.
Other names: c.1730G>A, p.Ser577Asn (NM_018328.5); short protein forms S577N.
Identifiers: ClinVar variation 3711169 (VCV003711169.2).

ClinVar aggregate classification (germline): Uncertain significance (1 of 4 stars; one submission).

Conditions:
Intellectual developmental disorder, autosomal dominant 1. Also called: MBD5 Haploinsufficiency; Intellectual disability, autosomal dominant 1. Identifiers: Orphanet 228402, MedGen C1969562, MONDO:0007974, OMIM 156200.

Submission:

Labcorp Genetics (formerly Invitae), Labcorp
Classification: Uncertain significance for Intellectual developmental disorder, autosomal dominant 1. Last evaluated: 2024-12-24. Review status: criteria provided, single submitter. Criteria: Invitae Variant Classification Sherloc (09022015). Collection method: clinical testing. Allele origin: germline.
Comment: This sequence change replaces serine, which is neutral and polar, with asparagine, which is neutral and polar, at codon 577 of the MBD5 protein (p.Ser577Asn). This variant is not present in population databases (gnomAD no frequency). This variant has not been reported in the literature in individuals affected with MBD5-related conditions. Invitae Evidence Modeling of protein sequence and biophysical properties (such as structural, functional, and spatial information, amino acid conservation, physicochemical variation, residue mobility, and thermodynamic stability) has been performed for this missense variant. However, the output from this modeling did not meet the statistical confidence thresholds required to predict the impact of this variant on MBD5 protein function. In summary, the available evidence is currently insufficient to determine the role of this variant in disease. Therefore, it has been classified as a Variant of Uncertain Significance.